The following is an entry in ClinVar:

NM_005518.4(HMGCS2):c.1188-60GT[20]

Gene: HMGCS2 (3-hydroxy-3-methylglutaryl-CoA synthase 2; minus strand). Cytogenetic location: 1p12.
Variant type: Microsatellite.
Coding change: c.1188-60GT[20] on transcript NM_005518.4 (MANE Select); 20 copies in a row of the 2-base unit GT starting at c.1188-60; the reference has 18 copies in a row; two copies, 4 bases duplicated.
Molecular consequence: intron variant.
Genome position (GRCh38, 1-based): chr1:119,753,411-119,753,414, ACAC duplicated on the plus strand (GTGT on the coding strand, the reverse complement: HMGCS2 is on the minus strand); duplicating any 4 consecutive bases within chr1:119,753,411-119,753,447 gives the same sequence; the position shown is the placement nearest the transcript's 3' end. VCF-style (leftmost placement, unchanged base first): chr1-119753410-A-AACAC. GRCh37 (hg19) VCF-style: chr1-120296033-A-AACAC.
Other names: p.=; c.1062-60GT[20] (NM_001166107.1); c.1188-28_1188-25dup (NM_005518.4).
Identifiers: ClinVar variation 1188548 (VCV001188548.3), dbSNP rs71074435, ClinGen allele CA1037639.
Genomic context (GRCh38, chr1:119,753,410, plus strand): 5'-ACCAATCCTGGAGCCAGCCAGTTCTTGGGCAGAGTGGCTGTGGGGAAAGAAATCAAATAA[A>AACAC]ACACACACACACACACACACACACACACACACACACATATATGTATATATATATTATATT-3'

ClinVar aggregate classification (germline): Likely benign. Review status: criteria provided, multiple submitters, no conflicts (2 of 4 stars). 2 submissions from 2 submitters: Likely benign (2). Last evaluated 2025-08-18.

Submissions (2):

Mayo Clinic Laboratories, Mayo Clinic
Classification: Likely benign. Last evaluated: 2025-08-18. Review status: criteria provided, single submitter. Criteria: ACMG Guidelines, 2015. Collection method: clinical testing. Allele origin: germline. Observed: 2 variant alleles.
Comment: BA1, BS2, BP7

GeneDx
Classification: Likely benign. Last evaluated: 2019-09-24. Review status: criteria provided, single submitter. Criteria: GeneDx Variant Classification Process June 2021. Collection method: clinical testing. Allele origin: germline. Affected: yes.